The following is an entry in ClinVar:

NM_006947.4(SRP72):c.1740_1745del (p.Met580_Glu582delinsIle)

Gene: SRP72 (signal recognition particle 72; plus strand). Cytogenetic location: 4q12.
Variant type: Deletion.
Coding change: c.1740_1745del on transcript NM_006947.4 (MANE Select); coding-DNA positions 1740 to 1745, 6 bases deleted (GCGAGA; older notation c.1740_1745delGCGAGA).
Protein change: p.Met580_Glu582delinsIle.
Molecular consequence: inframe indel. On other transcripts: non-coding transcript variant (1).
Genome position (GRCh38, 1-based): chr4:56,500,597-56,500,602, GCGAGA deleted. VCF-style (leftmost placement, unchanged base first): chr4-56500596-TGCGAGA-T. GRCh37 (hg19) VCF-style: chr4-57366762-TGCGAGA-T.
Other names: c.1557_1562del, p.Met519_Glu521delinsIle (NM_001267722.2).
Identifiers: ClinVar variation 3660265 (VCV003660265.2).

ClinVar aggregate classification (germline): Uncertain significance (1 of 4 stars; one submission).

Submission:

Labcorp Genetics (formerly Invitae), Labcorp
Classification: Uncertain significance. Last evaluated: 2024-07-23. Review status: criteria provided, single submitter. Criteria: Invitae Variant Classification Sherloc (09022015). Collection method: clinical testing. Allele origin: germline.
Comment: This variant, c.1740_1745del, is a complex sequence change that results in the deletion of 3 and insertion of 1 amino acid(s) in the SRP72 protein (p.Met580_Glu582delinsIle). This variant is not present in population databases (gnomAD no frequency). This variant has not been reported in the literature in individuals affected with SRP72-related conditions. Experimental studies and prediction algorithms are not available or were not evaluated, and the functional significance of this variant is currently unknown. In summary, the available evidence is currently insufficient to determine the role of this variant in disease. Therefore, it has been classified as a Variant of Uncertain Significance.